The following is an entry in ClinVar:

ClinVar aggregate classification (germline): Benign. Review status: criteria provided, multiple submitters, no conflicts (2 of 4 stars). 3 submissions from 3 submitters: Benign (3). Last evaluated 2018-06-14.

Conditions:
Maturity-onset diabetes of the young (MODY). Also called: Maturity onset diabetes mellitus in young. Identifiers: Orphanet 552, MedGen C0342276, MONDO:0018911, HP:0004904.

Allele frequency attached by ClinVar (database versions not stated): TOPMed 0.28177; gnomAD 0.28699 and 0.29488; 1000 Genomes Project 30x 0.30247; 1000 Genomes Project 0.31190; gnomAD exomes 0.34303.
gnomAD v4.1: 391,549 of 1,161,610 alleles (34%); highest among the groups gnomAD compares: Middle Eastern, 48%; 69,227 homozygotes.

Submissions (3):

GeneDx
Classification: Benign. Last evaluated: 2018-06-14. Review status: criteria provided, single submitter. Criteria: GeneDx Variant Classification (06012015). Collection method: clinical testing. Allele origin: germline. Affected: yes.
Comment: This variant is considered likely benign or benign based on one or more of the following criteria: it is a conservative change, it occurs at a poorly conserved position in the protein, it is predicted to be benign by multiple in silico algorithms, and/or has population frequency not consistent with disease.

Breakthrough Genomics
Classification: Benign. Review status: criteria provided, single submitter. Criteria: ACMG Guidelines, 2015. Collection method: not provided. Allele origin: germline. Inheritance: Autosomal dominant inheritance. Affected: yes.

Clinical Genomics, Uppaluri K&H Personalized Medicine Clinic
Classification: Benign for Maturity-onset diabetes of the young. Review status: criteria provided, single submitter. Criteria: K & H Uppaluri Personalized Medicine Clinic Variant Classification & Assertion Criteria_Updated V.1. Collection method: research. Allele origin: unknown. Inheritance: Autosomal dominant inheritance.
Comment: Mutations in HNF1A gene can predispose to MODY3. It is associated with both micro and macrovascular complications of diabetes, especially cardiovascular complications. Associated with glucosuria. May respond well to sulfonylureas. However, more evidence is required to confer the association of this particular variant rs2244608 with MODY3.

Literature cited by the submitters: PubMed 31517624 (cited by Clinical Genomics, Uppaluri K&H Personalized Medicine Clinic); PubMed 32395877 (cited by Clinical Genomics, Uppaluri K&H Personalized Medicine Clinic); PubMed 35328643 (cited by Clinical Genomics, Uppaluri K&H Personalized Medicine Clinic); PubMed 35673428 (cited by Clinical Genomics, Uppaluri K&H Personalized Medicine Clinic).

NM_000545.8(HNF1A):c.326+91A>G

Gene: HNF1A (HNF1 homeobox A; plus strand). Cytogenetic location: 12q24.31.
Variant type: single nucleotide variant.
Coding change: c.326+91A>G on transcript NM_000545.8 (MANE Select); 91 bases into the intron after coding-DNA position 326, A replaced by G.
Molecular consequence: intron variant.
Genome position (GRCh38, 1-based): chr12:120,979,185, A>G. VCF-style: chr12-120979185-A-G. GRCh37 (hg19) VCF-style: chr12-121416988-A-G.
Other names: c.326+91A>G (NM_001306179.2).
Identifiers: ClinVar variation 676859 (VCV000676859.3), dbSNP rs2244608, ClinGen allele CA13677242.
Genomic context (GRCh38, chr12:120,979,185, plus strand): 5'-GGAGAGCCTAGAGGGGCCCCCCTCAGCTCCTAACGAGCCCCCCTTCTGAGTTGAGTCCCC[A>G]TGACCTTCAGCCTTTAGCCTAGTTGCTGGGAAGGGGGACAGGGCCCATGAGAGCCCAGGG-3'